The following is an entry in ClinVar:

NM_016333.4(SRRM2):c.6835C>T (p.Pro2279Ser)

Gene: SRRM2 (serine/arginine repetitive matrix 2; plus strand). Cytogenetic location: 16p13.3.
Variant type: single nucleotide variant.
Coding change: c.6835C>T on transcript NM_016333.4 (MANE Select); coding-DNA position 6835, C replaced by T.
Protein change: p.Pro2279Ser; replaces proline 2279 with serine.
Molecular consequence: missense variant.
Genome position (GRCh38, 1-based): chr16:2,767,363, C>T. VCF-style: chr16-2767363-C-T. GRCh37 (hg19) VCF-style: chr16-2817364-C-T.
Other names: short protein forms P2279S.
Identifiers: ClinVar variation 4076224 (VCV004076224.1).
Genomic context (GRCh38, chr16:2,767,363, plus strand): 5'-TCTCGAACGCCAGCTGCAGCAGCGGCCATGAACTTGGCCAGCCCCAGAACAGCGGTGGCA[C>T]CTTCGGCTGTGAACCTGGCTGACCCTCGCACTCCCACAGCCCCAGCTGTGAACCTAGCAG-3'
Protein context (NP_057417.3, residues 2269-2289): NLASPRTAVA[Pro2279Ser]SAVNLADPRT

ClinVar aggregate classification (germline): Uncertain significance (1 of 4 stars; one submission).

Conditions:
Intellectual developmental disorder, autosomal dominant 72 (MRD72). Identifiers: Orphanet 652487, MedGen C5830612, MONDO:0957397, OMIM 620439.

Submission:

Laboratorio de Genetica e Diagnostico Molecular, Hospital Israelita Albert Einstein
Classification: Uncertain significance for Intellectual developmental disorder, autosomal dominant 72. Last evaluated: 2025-01-10. Review status: criteria provided, single submitter. Criteria: ACMG Guidelines, 2015. Collection method: clinical testing. Allele origin: germline. Affected: yes.
Comment: ACMG classification criteria: PM2 supporting, BP4 supporting